The following is an entry in ClinVar:

NM_205836.3(FBXO38):c.51T>G (p.Ile17Met)

Gene: FBXO38 (F-box protein 38; plus strand). Cytogenetic location: 5q32.
Variant type: single nucleotide variant.
Coding change: c.51T>G on transcript NM_205836.3 (MANE Select); coding-DNA position 51, T replaced by G.
Protein change: p.Ile17Met; replaces isoleucine 17 with methionine.
Molecular consequence: missense variant.
Genome position (GRCh38, 1-based): chr5:148,394,827, T>G. VCF-style: chr5-148394827-T-G. GRCh37 (hg19) VCF-style: chr5-147774390-T-G.
Other names: c.51T>G, p.Ile17Met (NM_001271723.2, NM_030793.5); short protein forms I17M.
Identifiers: ClinVar variation 3358464 (VCV003358464.3).

ClinVar aggregate classification (germline): Uncertain significance. Review status: criteria provided, single submitter (1 of 4 stars). 2 submissions from 2 submitters: Uncertain significance (1). 1 of the submissions does not count toward it. Last evaluated 2024-03-28.

Conditions:
Distal hereditary motor neuropathy type 2. Identifiers: Orphanet 139525, MedGen C3711384, MeSH C580044, MONDO:0015352.
FBXO38-related disorder. Also called: FBXO38-related condition.

gnomAD v4.1: 2 of 1,605,246 alleles (0.00012%); highest among the groups gnomAD compares: Admixed American, 0.0017%; no homozygotes.

Submissions (2):

Labcorp Genetics (formerly Invitae), Labcorp
Classification: Uncertain significance for Distal hereditary motor neuropathy type 2. Last evaluated: 2024-03-28. Review status: criteria provided, single submitter. Criteria: Invitae Variant Classification Sherloc (09022015). Collection method: clinical testing. Allele origin: germline.
Comment: This sequence change replaces isoleucine, which is neutral and non-polar, with methionine, which is neutral and non-polar, at codon 17 of the FBXO38 protein (p.Ile17Met). This variant is present in population databases (rs751405536, gnomAD 0.003%). This variant has not been reported in the literature in individuals affected with FBXO38-related conditions. Advanced modeling of protein sequence and biophysical properties (such as structural, functional, and spatial information, amino acid conservation, physicochemical variation, residue mobility, and thermodynamic stability) performed at Invitae indicates that this missense variant is not expected to disrupt FBXO38 protein function with a negative predictive value of 80%. In summary, the available evidence is currently insufficient to determine the role of this variant in disease. Therefore, it has been classified as a Variant of Uncertain Significance.

PreventionGenetics, part of Exact Sciences
Classification: Uncertain significance for FBXO38-related condition. Last evaluated: 2024-05-06. Review status: no assertion criteria provided. Collection method: clinical testing. Allele origin: germline. Not counted in ClinVar's aggregate classification.
Comment: The FBXO38 c.51T>G variant is predicted to result in the amino acid substitution p.Ile17Met. To our knowledge, this variant has not been reported in the literature. This variant is reported in 0.0031% of alleles in individuals of Latino descent in gnomAD. At this time, the clinical significance of this variant is uncertain due to the absence of conclusive functional and genetic evidence.